The following is an entry in ClinVar:

NM_004281.4(BAG3):c.909+17G>A

Gene: BAG3 (BAG cochaperone 3; plus strand). Cytogenetic location: 10q26.11.
Variant type: single nucleotide variant.
Coding change: c.909+17G>A on transcript NM_004281.4 (MANE Select); 17 bases into the intron after coding-DNA position 909, G replaced by A.
Molecular consequence: intron variant.
Genome position (GRCh38, 1-based): chr10:119,672,673, G>A. VCF-style: chr10-119672673-G-A. GRCh37 (hg19) VCF-style: chr10-121432185-G-A.
Identifiers: ClinVar variation 377549 (VCV000377549.13), dbSNP rs139086861, ClinGen allele CA5716438.
Genomic context (GRCh38, chr10:119,672,673, plus strand): 5'-CCCCCTCGCCCATCCGTGTGCACACCGTGGTCGACAGGCCTCAGGTACGGGAAGTTAGTC[G>A]TCAGCAGACTGGTTATGGTGGTATGTCTCCAGGGGTGCAGGAGCTCTGTGGGTGCCCTGG-3'

ClinVar aggregate classification (germline): Benign/Likely benign. Review status: criteria provided, multiple submitters, no conflicts (2 of 4 stars). 6 submissions from 6 submitters: Benign (5); Likely benign (1). Last evaluated 2026-02-03.

Conditions:
Dilated cardiomyopathy 1HH (CMD1HH). Identifiers: Orphanet 154, MedGen C3151293, MONDO:0013479, OMIM 613881.
Myofibrillar myopathy 6. Identifiers: Orphanet 199340, MedGen C2751831, MONDO:0013061, OMIM 612954.

Allele frequency attached by ClinVar (database versions not stated): gnomAD exomes 0.00016 and 0.00037; ExAC 0.00038; gnomAD 0.00139 and 0.00153; 1000 Genomes Project 0.00140; 1000 Genomes Project 30x 0.00141; ESP Exome Variant Server 0.00169; TOPMed 0.00175.
gnomAD v4.1: 454 of 1,610,444 alleles (0.028%); highest among the groups gnomAD compares: African/African-American, 0.53%; 2 homozygotes.

Submissions (6):

Labcorp Genetics (formerly Invitae), Labcorp
Classification: Benign for Dilated cardiomyopathy 1HH; Myofibrillar myopathy 6. Last evaluated: 2026-02-03. Review status: criteria provided, single submitter. Criteria: Invitae Variant Classification Sherloc (09022015). Collection method: clinical testing. Allele origin: germline.

Blueprint Genetics
Classification: Likely benign. Last evaluated: 2024-09-30. Review status: criteria provided, single submitter. Criteria: ACMG Guidelines, 2015. Collection method: clinical testing. Allele origin: germline.

ARUP Laboratories, Molecular Genetics and Genomics, ARUP Laboratories
Classification: Benign. Last evaluated: 2023-11-22. Review status: criteria provided, single submitter. Criteria: ARUP Molecular Germline Variant Investigation Process 2024. Collection method: clinical testing. Allele origin: germline.

Women's Health and Genetics/Laboratory Corporation of America, LabCorp
Classification: Benign. Last evaluated: 2022-07-30. Review status: criteria provided, single submitter. Criteria: LabCorp Variant Classification Summary - May 2015. Collection method: clinical testing. Allele origin: germline.

GeneDx
Classification: Benign. Last evaluated: 2015-09-18. Review status: criteria provided, single submitter. Criteria: GeneDx Variant Classification (06012015). Collection method: clinical testing. Allele origin: germline. Affected: yes.
Comment: This variant is considered likely benign or benign based on one or more of the following criteria: it is a conservative change, it occurs at a poorly conserved position in the protein, it is predicted to be benign by multiple in silico algorithms, and/or has population frequency not consistent with disease.

Breakthrough Genomics
Classification: Benign. Review status: criteria provided, single submitter. Criteria: ACMG Guidelines, 2015. Collection method: not provided. Allele origin: germline. Inheritance: Autosomal dominant inheritance. Affected: yes.